The following is an entry in ClinVar:

NM_001080467.3(MYO5B):c.1749C>A (p.Ser583Arg)

Gene: MYO5B (myosin VB; minus strand). Cytogenetic location: 18q21.1.
Variant type: single nucleotide variant.
Coding change: c.1749C>A on transcript NM_001080467.3 (MANE Select); coding-DNA position 1749, C replaced by A.
Protein change: p.Ser583Arg; replaces serine 583 with arginine.
Molecular consequence: missense variant.
Genome position (GRCh38, 1-based): chr18:49,953,263, G>T on the plus strand (C>A on the coding strand, the complement: MYO5B is on the minus strand). VCF-style: chr18-49953263-G-T. GRCh37 (hg19) VCF-style: chr18-47479633-G-T.
Other names: short protein forms S583R.
Identifiers: ClinVar variation 4293154 (VCV004293154.1).

ClinVar aggregate classification (germline): Uncertain significance (1 of 4 stars; one submission).

Conditions:
Congenital microvillous atrophy (DIAR2). Also called: Diarrhea 2 with microvillus atrophy, with or without cholestasis; MICROVILLUS ATROPHY, CONGENITAL; CONGENITAL FAMILIAL PROTRACTED DIARRHEA WITH ENTEROCYTE BRUSH-BORDER ABNORMALITIES; DAVIDSON DISEASE; Microvillus inclusion disease. Identifiers: Orphanet 2290, MedGen C0341306, MONDO:0009635, OMIM 251850.

Submission:

3billion
Classification: Uncertain significance for Congenital microvillous atrophy. Last evaluated: 2024-11-14. Review status: criteria provided, single submitter. Criteria: ACMG Guidelines, 2015. Collection method: clinical testing. Allele origin: germline. Affected: yes.
Comment: The variant is not observed in the gnomAD v4.1.0 dataset. Predicted Consequence/Location: Missense variant In silico tool predictions suggest damaging effect of the variant on gene or gene product [REVEL: 0.92 (>=0.6, sensitivity 0.68 and specificity 0.92); 3Cnet: 0.11 (>=0.6, sensitivity 0.72 and precision 0.9)]. A different missense change at the same codon (p.Ser583Asn) has been reported to be associated with MYO5B related disorder (PMID: 28027573). However the evidence of pathogenicity is insufficient at this time. Therefore, this variant is classified as VUS according to the recommendation of ACMG/AMP guideline.

Literature cited by the submitters: PubMed 28027573.